The following is an entry in ClinVar:

NM_015450.3(POT1):c.104C>T (p.Pro35Leu)

Gene: POT1 (protection of telomeres 1; minus strand). Cytogenetic location: 7q31.33.
Variant type: single nucleotide variant.
Coding change: c.104C>T on transcript NM_015450.3 (MANE Select); coding-DNA position 104, C replaced by T.
Protein change: p.Pro35Leu; replaces proline 35 with leucine.
Molecular consequence: missense variant. On other transcripts: 5 prime UTR variant (1), non-coding transcript variant (3).
Genome position (GRCh38, 1-based): chr7:124,892,286, G>A on the plus strand (C>T on the coding strand, the complement: POT1 is on the minus strand). VCF-style: chr7-124892286-G-A. GRCh37 (hg19) VCF-style: chr7-124532340-G-A.
Other names: p.Pro35Leu; c.-159C>T (NM_001042594.2); short protein forms P35L.
Identifiers: ClinVar variation 3423094 (VCV003423094.2).

ClinVar aggregate classification (germline): Conflicting classifications of pathogenicity. Review status: criteria provided, conflicting classifications (1 of 4 stars). 2 submissions from 2 submitters: Likely pathogenic (1); Uncertain significance (1). Last evaluated 2025-08-24.

Conditions:
Pulmonary fibrosis and/or bone marrow failure syndrome, telomere-related, 8 (PFBMFT8). Identifiers: MedGen C5830496, MONDO:0957263, OMIM 620367.
Tumor predisposition syndrome 3 (TPDS3). Also called: Melanoma, cutaneous malignant, susceptibility to, 10; Glioma susceptibility 9; LONG TELOMERE SYNDROME, POT1-RELATED; POT1 Tumor Predisposition. Identifiers: Orphanet 618, MedGen C4014476, MONDO:0014368, OMIM 615848.
Hereditary cancer-predisposing syndrome. Also called: Tumor predisposition; Hereditary Cancer Syndrome; Hereditary neoplastic syndrome; Neoplastic Syndromes, Hereditary. Identifiers: Orphanet 140162, MedGen C0027672, MeSH D009386, MONDO:0015356.

Submissions (2):

Molecular Genetics and NGS Laboratory, Hospital Fundacion Valle Del Lili
Classification: Likely pathogenic for Tumor predisposition syndrome 3; Pulmonary fibrosis and/or bone marrow failure syndrome, telomere-related, 8. Last evaluated: 2025-08-24. Review status: criteria provided, single submitter. Criteria: ACMG Guidelines, 2015. Collection method: clinical testing. Allele origin: germline. Affected: yes. Observed: 1 variant allele.
Comment: Currently, this variant is classified in databases such as Varsome and Franklin-Genoox as a variant of uncertain clinical significance (VUS). However, we propose its clinical reclassification as likely pathogenic, based on the personal and family history of our patient. A hereditary cancer predisposition syndrome associated with the POT1 gene has been described, showing features that resemble Li-Fraumeni-like syndrome. Notably, the same variant has already been reported in a Chinese family with 13 affected members presenting with similar early-onset tumors (doi: 10.3389/fonc.2022.963364). In that study, functional prediction analyses and in silico protein modeling supported a deleterious effect of the variant. Additionally, this variant is located in a highly conserved region, and multiple studies have demonstrated that POT1 missense variants disrupt the interaction between the POT1 protein and single-stranded DNA, leading to telomere elongation. These missense variants are, in fact, the most frequent disease-causing alterations reported in this gene.

Ambry Genetics
Classification: Uncertain significance for Hereditary cancer-predisposing syndrome. Last evaluated: 2024-10-24. Review status: criteria provided, single submitter. Criteria: Ambry Variant Classification Scheme 2023. Collection method: clinical testing. Allele origin: germline.
Comment: The p.P35L variant (also known as c.104C>T), located in coding exon 2 of the POT1 gene, results from a C to T substitution at nucleotide position 104. The proline at codon 35 is replaced by leucine, an amino acid with similar properties. This variant was identified in a family with features consistent with POT1-related tumor predisposition syndrome (Li et al. Front Oncol. 2022 Nov;12:963364). This amino acid position is highly conserved in available vertebrate species. In addition, this alteration is predicted to be deleterious by in silico analysis. Based on the available evidence, the clinical significance of this variant remains unclear.

Literature cited by the submitters: PubMed 36387164 (cited by Ambry Genetics).